The following is an entry in ClinVar:

NM_001098816.3(TENM4):c.1255+4G>A

Gene: TENM4 (teneurin transmembrane protein 4; minus strand). Cytogenetic location: 11q14.1.
Variant type: single nucleotide variant.
Coding change: c.1255+4G>A on transcript NM_001098816.3 (MANE Select); 4 bases into the intron after coding-DNA position 1255, G replaced by A.
Molecular consequence: intron variant.
Genome position (GRCh38, 1-based): chr11:78,862,958, C>T on the plus strand (G>A on the coding strand, the complement: TENM4 is on the minus strand). VCF-style: chr11-78862958-C-T. GRCh37 (hg19) VCF-style: chr11-78574003-C-T.
Identifiers: ClinVar variation 787386 (VCV000787386.7), dbSNP rs116335938, ClinGen allele CA6207572.

ClinVar aggregate classification (germline): Benign/Likely benign. Review status: criteria provided, multiple submitters, no conflicts (2 of 4 stars). 3 submissions from 3 submitters: Benign (1); Likely benign (1). 1 of the submissions does not count toward it. Last evaluated 2026-06-01.

Conditions:
TENM4-related disorder. Also called: TENM4-related condition.

Allele frequency attached by ClinVar (database versions not stated): gnomAD exomes 0.00036 and 0.00092; ExAC 0.00151; ESP Exome Variant Server 0.00285; 1000 Genomes Project 0.00300; 1000 Genomes Project 30x 0.00328; gnomAD 0.00425 and 0.00459; TOPMed 0.00448.
gnomAD v4.1: 1,142 of 1,454,664 alleles (0.079%); highest among the groups gnomAD compares: African/African-American, 1.4%; 6 homozygotes.

Submissions (3):

CeGaT Center for Human Genetics Tuebingen
Classification: Likely benign. Last evaluated: 2026-06-01. Review status: criteria provided, single submitter. Criteria: CeGaT Center For Human Genetics Tuebingen Variant Classification Criteria Version 2. Collection method: clinical testing. Allele origin: germline. Affected: yes. Observed: 1 variant allele.
Comment: TENM4: BP4, BS1

Labcorp Genetics (formerly Invitae), Labcorp
Classification: Benign. Last evaluated: 2019-12-31. Review status: criteria provided, single submitter. Criteria: Invitae Variant Classification Sherloc (09022015). Collection method: clinical testing. Allele origin: germline.

PreventionGenetics, part of Exact Sciences
Classification: Benign for TENM4-related condition. Last evaluated: 2024-08-09. Review status: no assertion criteria provided. Collection method: clinical testing. Allele origin: germline. Not counted in ClinVar's aggregate classification.
Comment: This variant is classified as benign based on ACMG/AMP sequence variant interpretation guidelines (Richards et al. 2015 PMID: 25741868, with internal and published modifications).